The following is an entry in ClinVar:

NM_001999.4(FBN2):c.463_469del (p.Asn155fs)

Gene: FBN2 (fibrillin 2; minus strand). Cytogenetic location: 5q23.3.
Variant type: Deletion.
Coding change: c.463_469del on transcript NM_001999.4 (MANE Select); coding-DNA positions 463 to 469, 7 bases deleted (AATGGTG; older notation c.463_469delAATGGTG).
Protein change: p.Asn155fs; shifts the reading frame from asparagine 155.
Molecular consequence: frameshift variant.
Genome position (GRCh38, 1-based): chr5:128,527,935-128,527,941, CACCATT deleted on the plus strand (AATGGTG on the coding strand, the reverse complement: FBN2 is on the minus strand); deleting any 7 consecutive bases within chr5:128,527,935-128,527,943 gives the same sequence; the c. name uses the placement nearest the transcript's 3' end. VCF-style (leftmost placement, unchanged base first): chr5-128527934-CCACCATT-C. GRCh37 (hg19) VCF-style: chr5-127863627-CCACCATT-C.
Other names: short protein forms N155fs.
Identifiers: ClinVar variation 4976189 (VCV004976189.1).

ClinVar aggregate classification (germline): Uncertain significance (1 of 4 stars; one submission).

Submission:

GeneDx
Classification: Uncertain significance. Last evaluated: 2026-02-13. Review status: criteria provided, single submitter. Criteria: GeneDx Variant Classification Process June 2021. Collection method: clinical testing. Allele origin: germline.
Comment: Not observed at significant frequency in large population cohorts (gnomAD); Frameshift variant predicted to result in protein truncation or nonsense mediated decay in a gene or region of a gene for which loss of function is not a well-established mechanism of disease; Has not been previously published as pathogenic or benign to our knowledge